The following is an entry in ClinVar:

ClinVar aggregate classification (germline): Pathogenic/Likely pathogenic. Review status: criteria provided, multiple submitters, no conflicts (2 of 4 stars). 4 submissions from 4 submitters: Pathogenic (2); Likely pathogenic (2). Last evaluated 2025-12-01.

Conditions:
Neurofibromatosis, type 1 (NF1). Also called: VON RECKLINGHAUSEN DISEASE; NEUROFIBROMATOSIS, TYPE I, SOMATIC; Peripheral type neurofibromatosis; Neurofibromatosis, type I. Identifiers: Orphanet 636, MedGen C0027831, MONDO:0018975, OMIM 162200. Disease mechanism: loss of function.

Submissions (4):

Labcorp Genetics (formerly Invitae), Labcorp
Classification: Pathogenic for Neurofibromatosis, type 1. Last evaluated: 2025-12-01. Review status: criteria provided, single submitter. Criteria: Invitae Variant Classification Sherloc (09022015). Collection method: clinical testing. Allele origin: germline.
Comment: This sequence change affects a donor splice site in intron 31 of the NF1 gene. It is expected to disrupt RNA splicing. Variants that disrupt the donor or acceptor splice site typically lead to a loss of protein function (PMID: 16199547), and loss-of-function variants in NF1 are known to be pathogenic (PMID: 10712197, 23913538). This variant is not present in population databases (gnomAD no frequency). Disruption of this splice site has been observed in individuals with Neurofibromatosis type 1 (PMID: 16461335, 30014477; internal data). Invitae Evidence Modeling of clinical and family history, age, sex, and reported ancestry of multiple individuals with this NF1 variant has been performed. This variant is expected to be pathogenic with a positive predictive value of at least 99%. This is a validated machine learning model that incorporates the clinical features of 1,785,918 individuals referred to our laboratory for NF1 testing. ClinVar contains an entry for this variant (Variation ID: 663586). Algorithms developed to predict the effect of sequence changes on RNA splicing suggest that this variant may disrupt the consensus splice site. For these reasons, this variant has been classified as Pathogenic.

Institute for Genomic Medicine (IGM) Clinical Laboratory, Nationwide Children's Hospital
Classification: Likely pathogenic for Neurofibromatosis, type 1. Last evaluated: 2025-10-27. Review status: criteria provided, single submitter. Criteria: ACMG Guidelines, 2015. Collection method: clinical testing. Allele origin: germline.
Comment: This variant is predicted to result in loss of function through nonsense-mediated decay of the encoded transcript or premature truncation of the encoded protein in a gene in which loss of function is a known mechanism of disease (ACMG/AMP: PVS1; PMIDs:10712197, 23913538). This variant is absent from or present at an exceedingly low frequency in gnomAD, a large-scale control population database (ACMG/AMP: PM2).

GeneDx
Classification: Pathogenic. Last evaluated: 2024-04-02. Review status: criteria provided, single submitter. Criteria: GeneDx Variant Classification Process June 2021. Collection method: clinical testing. Allele origin: germline. Affected: yes.
Comment: Canonical splice site variant expected to result in aberrant splicing, although in the absence of functional evidence the actual effect of this sequence change is unknown.; Not observed at significant frequency in large population cohorts (gnomAD); Deletions involving coding exons of this gene are a known mechanism of disease (HGMD); Also known as IVS24+1G>T; This variant is associated with the following publications: (PMID: 25525159, 30014477, 30098238, 16461335, 31347283, 30308447, 33877690, 35982159)

Juno Genomics, Hangzhou Juno Genomics, Inc
Classification: Likely pathogenic for Neurofibromatosis, type 1. Review status: criteria provided, single submitter. Criteria: ACMG Guidelines, 2015. Collection method: clinical testing. Allele origin: germline. Affected: yes.
Comment: Absent from controls (or at extremely low frequency if recessive) in Genome Aggregation Database, Exome Sequencing Project, 1000 Genomes Project, or Exome Aggregation Consortium.;Null variant in a gene where loss of function (LOF) is a known mechanism of disease.;Assumed de novo, but without confirmation of paternity and maternity.;The prevalence of the variant in affected individuals is significantly increased compared to the prevalence in controls.;Patient's phenotype or family history is highly specific for a disease with a single genetic etiology.

Literature cited by the submitters: PubMed 16199547 (cited by Labcorp Genetics (formerly Invitae), Labcorp); PubMed 10712197 (cited by Labcorp Genetics (formerly Invitae), Labcorp and Institute for Genomic Medicine (IGM) Clinical Laboratory, Nationwide Children's Hospital); PubMed 23913538 (cited by Labcorp Genetics (formerly Invitae), Labcorp and Institute for Genomic Medicine (IGM) Clinical Laboratory, Nationwide Children's Hospital); PubMed 16461335 (cited by Labcorp Genetics (formerly Invitae), Labcorp); PubMed 30014477 (cited by Labcorp Genetics (formerly Invitae), Labcorp).

NM_001042492.3(NF1):c.4332+1G>T

Gene: NF1 (neurofibromin 1; plus strand). Cytogenetic location: 17q11.2.
Variant type: single nucleotide variant.
Coding change: c.4332+1G>T on transcript NM_001042492.3 (MANE Select); the canonical splice donor site of the intron after coding-DNA position 4332, G replaced by T.
Molecular consequence: splice donor variant.
Genome position (GRCh38, 1-based): chr17:31,258,503, G>T. VCF-style: chr17-31258503-G-T. GRCh37 (hg19) VCF-style: chr17-29585521-G-T.
Other names: c.4269+1G>T (NM_000267.4).
Identifiers: ClinVar variation 663586 (VCV000663586.14), dbSNP rs1555618572, ClinGen allele CA398998185.
Genomic context (GRCh38, chr17:31,258,503, plus strand): 5'-GGGATTTTAGATAAAAAGCCACCACCTAGAATCGAAAGGGGCTTGAAGTTAATGTCAAAG[G>T]TGAATTATTTTGATAATCTAGCTATCTTAAATTCCCCTTCCAACTAAATTTTCAGCTTTT-3'